The following is an entry in ClinVar:

ClinVar aggregate classification (germline): Uncertain significance. Review status: criteria provided, multiple submitters, no conflicts (2 of 4 stars). 3 submissions from 3 submitters: Uncertain significance (3). Last evaluated 2025-11-24.

Conditions:
Inborn genetic diseases. Identifiers: MedGen C0950123, MeSH D030342.
CEP164-related disorder. Also called: CEP164-related condition.
Nephronophthisis 15 (NPHP15). Identifiers: Orphanet 3156, MedGen C3541853, MONDO:0013917, OMIM 614845.

Allele frequency attached by ClinVar (database versions not stated): gnomAD 0.00001; gnomAD exomes 0.00002; TOPMed 0.00002.

Submissions (3):

PreventionGenetics, part of Exact Sciences
Classification: Uncertain significance for CEP164-related condition. Last evaluated: 2025-11-24. Review status: criteria provided, single submitter. Criteria: ACMG Guidelines, 2015. Collection method: clinical testing. Allele origin: germline.
Comment: The CEP164 c.386G>C variant is predicted to result in the amino acid substitution p.Ser129Thr. To our knowledge, this variant has not been reported in the literature. This variant is reported in 0.0040% of alleles in individuals of European (Non-Finnish) descent in gnomAD. At this time, the clinical significance of this variant is uncertain due to the absence of conclusive functional and genetic evidence.

Ambry Genetics
Classification: Uncertain significance for Inborn genetic diseases. Last evaluated: 2022-09-06. Review status: criteria provided, single submitter. Criteria: Ambry Variant Classification Scheme 2023. Collection method: clinical testing. Allele origin: germline.

Labcorp Genetics (formerly Invitae), Labcorp
Classification: Uncertain significance for Nephronophthisis 15. Last evaluated: 2022-03-04. Review status: criteria provided, single submitter. Criteria: Invitae Variant Classification Sherloc (09022015). Collection method: clinical testing. Allele origin: germline.
Comment: This variant is present in population databases (no rsID available, gnomAD 0.004%). In summary, the available evidence is currently insufficient to determine the role of this variant in disease. Therefore, it has been classified as a Variant of Uncertain Significance. Algorithms developed to predict the effect of missense changes on protein structure and function output the following: SIFT: "Tolerated"; PolyPhen-2: "Benign"; Align-GVGD: "Class C0". The threonine amino acid residue is found in multiple mammalian species, which suggests that this missense change does not adversely affect protein function. This variant has not been reported in the literature in individuals affected with CEP164-related conditions. This sequence change replaces serine, which is neutral and polar, with threonine, which is neutral and polar, at codon 129 of the CEP164 protein (p.Ser129Thr).

NM_014956.5(CEP164):c.386G>C (p.Ser129Thr)

Gene: CEP164 (centrosomal protein 164; plus strand). Cytogenetic location: 11q23.3.
Variant type: single nucleotide variant.
Coding change: c.386G>C on transcript NM_014956.5 (MANE Select); coding-DNA position 386, G replaced by C.
Protein change: p.Ser129Thr; replaces serine 129 with threonine.
Molecular consequence: missense variant.
Genome position (GRCh38, 1-based): chr11:117,351,981, G>C. VCF-style: chr11-117351981-G-C. GRCh37 (hg19) VCF-style: chr11-117222697-G-C.
Other names: c.386G>C (NM_014956.4); c.386G>C, p.Ser129Thr (NM_001271933.2); short protein forms S129T.
Identifiers: ClinVar variation 1435225 (VCV001435225.8), dbSNP rs919243922, ClinGen allele CA229380337.